The following is an entry in ClinVar:

ClinVar aggregate classification (germline): Uncertain significance (1 of 4 stars; one submission).

Allele frequency attached by ClinVar (database versions not stated): gnomAD exomes below 0.00001.
gnomAD v4.1: 1 of 1,614,146 alleles (0.000062%); highest among the groups gnomAD compares: Non-Finnish European, 0.000085%; no homozygotes.

Submission:

GeneDx
Classification: Uncertain significance. Last evaluated: 2022-03-31. Review status: criteria provided, single submitter. Criteria: GeneDx Variant Classification Process June 2021. Collection method: clinical testing. Allele origin: germline. Affected: yes.
Comment: Not observed at significant frequency in large population cohorts (gnomAD); In silico analysis supports that this missense variant does not alter protein structure/function; Has not been previously published as pathogenic or benign to our knowledge

NM_130839.5(UBE3A):c.283G>C (p.Glu95Gln)

Genes: SNHG14 (small nucleolar RNA host gene 14; plus strand), UBE3A (ubiquitin protein ligase E3A; minus strand). Cytogenetic location: 15q11.2.
Variant type: single nucleotide variant.
Coding change: c.283G>C on transcript NM_130839.5 (MANE Select); coding-DNA position 283, G replaced by C.
Protein change: p.Glu95Gln; replaces glutamic acid 95 with glutamine.
Molecular consequence: missense variant. On other transcripts: non-coding transcript variant (1).
Genome position (GRCh38, 1-based): chr15:25,375,543, C>G on the plus strand (G>C on the coding strand, the complement: UBE3A is on the minus strand). VCF-style: chr15-25375543-C-G. GRCh37 (hg19) VCF-style: chr15-25620690-C-G.
Other names: c.223G>C, p.Glu75Gln (NM_001354511.2, NM_001354512.2, NM_001354513.2 and 18 more transcripts); c.283G>C, p.Glu95Gln (NM_001354538.2, NM_001354545.2, NM_001354550.2 and 1 more transcripts); c.106G>C, p.Glu36Gln (NM_001354546.2); c.292G>C, p.Glu98Gln (NM_000462.5); short protein forms E36Q, E75Q, E95Q, E98Q.
Identifiers: ClinVar variation 1707880 (VCV001707880.2), dbSNP rs2552193023, ClinGen allele CA391356222.